The following is an entry in ClinVar:

ClinVar aggregate classification (germline): Likely benign (1 of 4 stars; one submission).

gnomAD v4.1: 43 of 1,593,502 alleles (0.0027%); highest among the groups gnomAD compares: East Asian, 0.022%; no homozygotes.

Submission:

Women's Health and Genetics/Laboratory Corporation of America, LabCorp
Classification: Likely benign. Last evaluated: 2026-03-23. Review status: criteria provided, single submitter. Criteria: LabCorp Variant Classification Summary - May 2015. Collection method: clinical testing. Allele origin: germline.
Comment: Variant summary: PKD1 c.5796C>T results in a synonymous change. Consensus agreement among computation tools predict no significant impact on normal splicing. However, these predictions have yet to be confirmed by functional studies. The variant allele was found at a frequency of 2.6e-05 in 230140 control chromosomes. The available data on variant occurrences in the general population are insufficient to allow any conclusion about variant significance. To our knowledge, no occurrence of c.5796C>T in individuals affected with PKD1-related conditions and no experimental evidence demonstrating its impact on protein function have been reported. No submitters have cited clinical-significance assessments for this variant to ClinVar. Based on the evidence outlined above, the variant was classified as likely benign.

NM_001009944.3(PKD1):c.5796C>T (p.Pro1932=)

Gene: PKD1 (polycystin 1, transient receptor potential channel interacting; minus strand). Cytogenetic location: 16p13.3.
Variant type: single nucleotide variant.
Coding change: c.5796C>T on transcript NM_001009944.3 (MANE Select); coding-DNA position 5796, C replaced by T.
Protein change: p.Pro1932=; no amino-acid change (proline 1932 retained).
Molecular consequence: synonymous variant.
Genome position (GRCh38, 1-based): chr16:2,109,371, G>A on the plus strand (C>T on the coding strand, the complement: PKD1 is on the minus strand). VCF-style: chr16-2109371-G-A. GRCh37 (hg19) VCF-style: chr16-2159372-G-A.
Other names: c.5796C>T, p.Pro1932= (NM_000296.4).
Identifiers: ClinVar variation 4847762 (VCV004847762.1).
Genomic context (GRCh38, chr16:2,109,371, plus strand): 5'-GCCCCGCACGCTCACCACGTGGTCTCCGACGCGGGGGAAGCTGTGGGAGAAACGGGGCCC[G>A]GGGAGCACCTCGGGGTTGGCCCCGCCGACCTGCAGGCGGAAGGTGACAGCTGAGCCGGCA-3'
Protein context (NP_001009944.3, residues 1922-1942): QVGGANPEVL[Pro1932=]GPRFSHSFPR